The following is an entry in ClinVar:

NM_182961.4(SYNE1):c.6883G>A (p.Ala2295Thr)

Gene: SYNE1 (spectrin repeat containing nuclear envelope protein 1; minus strand). Cytogenetic location: 6q25.2.
Variant type: single nucleotide variant.
Coding change: c.6883G>A on transcript NM_182961.4 (MANE Select); coding-DNA position 6883, G replaced by A.
Protein change: p.Ala2295Thr; replaces alanine 2295 with threonine.
Molecular consequence: missense variant.
Genome position (GRCh38, 1-based): chr6:152,401,284, C>T on the plus strand (G>A on the coding strand, the complement: SYNE1 is on the minus strand). VCF-style: chr6-152401284-C-T. GRCh37 (hg19) VCF-style: chr6-152722419-C-T.
Other names: c.6904G>A, p.Ala2302Thr (NM_033071.5); short protein forms A2295T, A2302T.
Identifiers: ClinVar variation 1495875 (VCV001495875.8), dbSNP rs758161551, ClinGen allele CA4057969.
Genomic context (GRCh38, chr6:152,401,284, plus strand): 5'-CATTAATAAACTTCTCCACTTGTGTACTTTGAGCCGTGAAATCCTTCAGGGTTCCTTTTG[C>T]TACTTCAGTTATTTCTTTGGCATGCTCCAGTTTCTGCATTAAGTCTGCTTCTATAAACTA-3'
Protein context (NP_892006.3, residues 2285-2305): LEHAKEITEV[Ala2295Thr]KGTLKDFTAQ

ClinVar aggregate classification (germline): Uncertain significance (1 of 4 stars; one submission).

Conditions:
Autosomal recessive ataxia, Beauce type. Also called: SYNE1-Related Autosomal Recessive Cerebellar Ataxia; Spinocerebellar ataxia, autosomal recessive 8; ATAXIA, RECESSIVE, OF BEAUCE; SYNE1 Deficiency. Identifiers: Orphanet 88644, MedGen C1853116, MONDO:0012549, OMIM 610743.
Emery-Dreifuss muscular dystrophy 4, autosomal dominant (EDMD4). Also called: EMERY-DREIFUSS MUSCULAR DYSTROPHY 4 WITH VARIABLE FEATURES. Identifiers: Orphanet 261, MedGen C2751807, MONDO:0013071, OMIM 612998.

Allele frequency attached by ClinVar (database versions not stated): gnomAD exomes 0.00001 and below 0.00001; ExAC 0.00002.
gnomAD v4.1: 3 of 1,614,060 alleles (0.00019%); highest among the groups gnomAD compares: Admixed American, 0.0033%; no homozygotes.

Submission:

Labcorp Genetics (formerly Invitae), Labcorp
Classification: Uncertain significance for Emery-Dreifuss muscular dystrophy 4, autosomal dominant; Autosomal recessive ataxia, Beauce type. Last evaluated: 2022-07-26. Review status: criteria provided, single submitter. Criteria: Invitae Variant Classification Sherloc (09022015). Collection method: clinical testing. Allele origin: germline.
Comment: This sequence change replaces alanine, which is neutral and non-polar, with threonine, which is neutral and polar, at codon 2302 of the SYNE1 protein (p.Ala2302Thr). This variant is present in population databases (rs758161551, gnomAD 0.006%). This variant has not been reported in the literature in individuals affected with SYNE1-related conditions. ClinVar contains an entry for this variant (Variation ID: 1495875). Algorithms developed to predict the effect of missense changes on protein structure and function (SIFT, PolyPhen-2, Align-GVGD) all suggest that this variant is likely to be disruptive. In summary, the available evidence is currently insufficient to determine the role of this variant in disease. Therefore, it has been classified as a Variant of Uncertain Significance.